The following is an entry in ClinVar:

NM_031407.7(HUWE1):c.5935C>T (p.Leu1979Phe)

Gene: HUWE1 (HECT, UBA and WWE domain containing E3 ubiquitin protein ligase 1; minus strand). Cytogenetic location: Xp11.22.
Variant type: single nucleotide variant.
Coding change: c.5935C>T on transcript NM_031407.7 (MANE Select); coding-DNA position 5935, C replaced by T.
Protein change: p.Leu1979Phe; replaces leucine 1979 with phenylalanine.
Molecular consequence: missense variant.
Genome position (GRCh38, 1-based): chrX:53,575,738, G>A on the plus strand (C>T on the coding strand, the complement: HUWE1 is on the minus strand). VCF-style: chrX-53575738-G-A. GRCh37 (hg19) VCF-style: chrX-53602698-G-A.
Other names: c.5932C>T, p.Leu1978Phe (NM_001441056.1, NM_001441058.1, NM_001441048.1 and 2 more transcripts); c.5935C>T, p.Leu1979Phe (NM_001441057.1, NM_001441049.1, NM_001441052.1 and 1 more transcripts); c.5956C>T, p.Leu1986Phe (NM_001441050.1, NM_001441055.1); c.5935C>T (NM_031407.4); short protein forms L1979F, L1986F, L1978F.
Identifiers: ClinVar variation 4982104 (VCV004982104.2).

ClinVar aggregate classification (germline): Uncertain significance. Review status: criteria provided, multiple submitters, no conflicts (2 of 4 stars). 2 submissions from 2 submitters: Uncertain significance (2). Last evaluated 2026-09-10.

Conditions:
Inborn genetic diseases. Identifiers: MedGen C0950123, MeSH D030342.
HUWE1-related disorder. Also called: HUWE1-related condition.

gnomAD v4.1: 1 of 1,210,989 alleles (0.000083%); highest among the groups gnomAD compares: Admixed American, 0.0022%; no homozygotes.

Submissions (2):

Ambry Genetics
Classification: Uncertain significance for Inborn genetic diseases. Last evaluated: 2026-09-10. Review status: criteria provided, single submitter. Criteria: Ambry Variant Classification Scheme 2023. Collection method: clinical testing. Allele origin: germline.
Comment: The c.5935C>T (p.L1979F) alteration is located in exon 45 (coding exon 42) of the HUWE1 gene. This alteration results from a C to T substitution at nucleotide position 5935, causing the leucine (L) at amino acid position 1979 to be replaced by a phenylalanine (F). Based on data from gnomAD, the T allele has an overall frequency of <0.001% (1/183268) total alleles studied. The highest observed frequency was 0.004% (1/27410) of Latino alleles. Based on insufficient or conflicting evidence, the clinical significance of this alteration remains unclear.

PreventionGenetics, part of Exact Sciences
Classification: Uncertain significance for HUWE1-related condition. Last evaluated: 2026-05-23. Review status: criteria provided, single submitter. Criteria: ACMG Guidelines, 2015. Collection method: clinical testing. Allele origin: germline.
Comment: The HUWE1 c.5935C>T variant is predicted to result in the amino acid substitution p.Leu1979Phe. To our knowledge, this variant has not been reported in the literature. This variant is reported in 0.0036% of alleles in individuals of Latino descent in gnomAD. At this time, the clinical significance of this variant is uncertain due to the absence of conclusive functional and genetic evidence.